The following is an entry in ClinVar:

ClinVar aggregate classification (germline): Uncertain significance (1 of 4 stars; one submission).

Conditions:
Charcot-Marie-Tooth disease axonal type 2C (HMSN2C). Also called: Charcot-Marie-Tooth Disease Type 2, TRPV4-Related (CMT2C); CHARCOT-MARIE-TOOTH DISEASE, AXONAL, AUTOSOMAL DOMINANT, TYPE 2C; Charcot-Marie-Tooth Neuropathy Type 2C. Identifiers: Orphanet 99937, MedGen C1853710, MONDO:0011633, OMIM 606071.

Allele frequency attached by ClinVar (database versions not stated): gnomAD 0.00001; TOPMed 0.00001; ExAC 0.00002; gnomAD exomes 0.00003 and 0.00004.
gnomAD v4.1: 65 of 1,614,038 alleles (0.004%); highest among the groups gnomAD compares: South Asian, 0.022%; no homozygotes.

Submission:

Labcorp Genetics (formerly Invitae), Labcorp
Classification: Uncertain significance for Charcot-Marie-Tooth disease axonal type 2C. Last evaluated: 2025-06-27. Review status: criteria provided, single submitter. Criteria: Invitae Variant Classification Sherloc (09022015). Collection method: clinical testing. Allele origin: germline.
Comment: This sequence change replaces arginine, which is basic and polar, with cysteine, which is neutral and slightly polar, at codon 816 of the TRPV4 protein (p.Arg816Cys). This variant is present in population databases (rs748742151, gnomAD 0.01%). This variant has not been reported in the literature in individuals affected with TRPV4-related conditions. ClinVar contains an entry for this variant (Variation ID: 847819). Invitae Evidence Modeling of protein sequence and biophysical properties (such as structural, functional, and spatial information, amino acid conservation, physicochemical variation, residue mobility, and thermodynamic stability) has been performed for this missense variant. However, the output from this modeling did not meet the statistical confidence thresholds required to predict the impact of this variant on TRPV4 protein function. In summary, the available evidence is currently insufficient to determine the role of this variant in disease. Therefore, it has been classified as a Variant of Uncertain Significance.

NM_021625.5(TRPV4):c.2446C>T (p.Arg816Cys)

Gene: TRPV4 (transient receptor potential cation channel subfamily V member 4; minus strand). Cytogenetic location: 12q24.11.
Variant type: single nucleotide variant.
Coding change: c.2446C>T on transcript NM_021625.5 (MANE Select); coding-DNA position 2446, C replaced by T.
Protein change: p.Arg816Cys; replaces arginine 816 with cysteine.
Molecular consequence: missense variant.
Genome position (GRCh38, 1-based): chr12:109,784,328, G>A on the plus strand (C>T on the coding strand, the complement: TRPV4 is on the minus strand). VCF-style: chr12-109784328-G-A. GRCh37 (hg19) VCF-style: chr12-110222133-G-A.
Other names: c.2305C>T, p.Arg769Cys (NM_001177428.2); c.2344C>T, p.Arg782Cys (NM_001177431.2); c.2125C>T, p.Arg709Cys (NM_001177433.2); c.2266C>T, p.Arg756Cys (NM_147204.3); short protein forms R756C, R709C, R816C, R769C, R782C.
Identifiers: ClinVar variation 847819 (VCV000847819.11), dbSNP rs748742151, ClinGen allele CA6779921.